The following is an entry in ClinVar:

NC_000004.11:g.(?_55569880)_(55570068_?)del

Gene: KIT (KIT proto-oncogene, receptor tyrosine kinase; plus strand). Cytogenetic location: 4q12.
Variant type: Deletion.
Identifiers: ClinVar variation 2422604 (VCV002422604.11).

ClinVar aggregate classification (germline): Pathogenic (1 of 4 stars; one submission).

Conditions:
Gastrointestinal stromal tumor. Also called: Gastrointestinal stroma tumor; Gastrointestinal stromal tumor, somatic. Identifiers: Orphanet 44890, MedGen C0238198, MeSH D046152, MONDO:0011719, OMIM 606764, HP:0100723.

Submission:

Labcorp Genetics (formerly Invitae), Labcorp
Classification: Pathogenic for Gastrointestinal stromal tumor. Last evaluated: 2022-04-13. Review status: criteria provided, single submitter. Criteria: Invitae Variant Classification Sherloc (09022015). Collection method: clinical testing. Allele origin: germline.
Comment: This variant is a gross deletion of the genomic region encompassing exon(s) 5 of the KIT gene. This deletion is out-of-frame, and is expected to create a premature termination codon and result in an absent or disrupted protein product. Loss-of-function variants in KIT are known to be pathogenic (PMID: 15194144). This variant has not been reported in the literature in individuals affected with KIT-related conditions. For these reasons, this variant has been classified as Pathogenic.

Literature cited by the submitters: PubMed 15194144.